The following is an entry in ClinVar:

NM_001165963.4(SCN1A):c.4674G>A (p.Met1558Ile)

Genes: SCN1A (sodium voltage-gated channel alpha subunit 1; minus strand), LOC102724058 (uncharacterized LOC102724058; plus strand). Cytogenetic location: 2q24.3.
Variant type: single nucleotide variant.
Coding change: c.4674G>A on transcript NM_001165963.4 (MANE Select); coding-DNA position 4674, G replaced by A.
Protein change: p.Met1558Ile; replaces methionine 1558 with isoleucine.
Molecular consequence: missense variant. On other transcripts: non-coding transcript variant (1).
Genome position (GRCh38, 1-based): chr2:165,994,324, C>T on the plus strand (G>A on the coding strand, the complement: SCN1A is on the minus strand). VCF-style: chr2-165994324-C-T. GRCh37 (hg19) VCF-style: chr2-166850834-C-T.
Other names: p.M1558I:ATG>ATA; c.4590G>A, p.Met1530Ile (NM_001165964.3, NM_001353957.2, NM_001353958.2); c.4674G>A, p.Met1558Ile (NM_001202435.3, NM_001353948.2); c.4641G>A, p.Met1547Ile (NM_001353949.2, NM_001353950.2, NM_001353951.2 and 2 more transcripts); c.4638G>A, p.Met1546Ile (NM_001353954.2, NM_001353955.2); c.4587G>A, p.Met1529Ile (NM_001353960.2); c.2232G>A, p.Met744Ile (NM_001353961.2); short protein forms M1547I, M1558I, M1529I, M1530I, M1546I, M744I.
Identifiers: ClinVar variation 206842 (VCV000206842.4), dbSNP rs796053023, ClinGen allele CA317513.

ClinVar aggregate classification (germline): Uncertain significance (1 of 4 stars; one submission).

Submission:

GeneDx
Classification: Uncertain significance. Last evaluated: 2023-08-06. Review status: criteria provided, single submitter. Criteria: GeneDx Variant Classification Process June 2021. Collection method: clinical testing. Allele origin: germline. Affected: yes.
Comment: Reported previously in an individual with epilepsy; inherited from a father with childhood febrile seizures (Lindy et al., 2018); Not observed at significant frequency in large population cohorts (gnomAD); In silico analysis supports that this missense variant has a deleterious effect on protein structure/function; Missense variants in this gene are often considered pathogenic (HGMD); This substitution is predicted to be within the transmembrane segment S1 of the fourth homologous domain; This variant is associated with the following publications: (PMID: 29655203)